The following is an entry in ClinVar:

NM_000021.4(PSEN1):c.1276G>C (p.Ala426Pro)

Gene: PSEN1 (presenilin 1; plus strand). Cytogenetic location: 14q24.2.
Variant type: single nucleotide variant.
Coding change: c.1276G>C on transcript NM_000021.4 (MANE Select); coding-DNA position 1276, G replaced by C.
Protein change: p.Ala426Pro; replaces alanine 426 with proline.
Molecular consequence: missense variant.
Genome position (GRCh38, 1-based): chr14:73,219,161, G>C. VCF-style: chr14-73219161-G-C. GRCh37 (hg19) VCF-style: chr14-73685869-G-C.
Other names: c.1264G>C, p.Ala422Pro (NM_007318.3); short protein forms A426P, A422P.
Identifiers: ClinVar variation 18136 (VCV000018136.8), dbSNP rs63751223, ClinGen allele CA225181.

ClinVar aggregate classification (germline): Pathogenic/Likely pathogenic. Review status: criteria provided, multiple submitters, no conflicts (2 of 4 stars). 6 submissions from 6 submitters: Pathogenic (1); Likely pathogenic (3). 2 of the submissions do not count toward it. Last evaluated 2024-11-12.

Conditions:
Acne inversa, familial, 3 (ACNINV3). Identifiers: MedGen C3151038, MONDO:0013398, OMIM 613737.
Frontotemporal dementia (FTD1). Also called: Frontotemporal Dementia with Parkinsonism-17 (FTDP-17); FRONTOTEMPORAL LOBAR DEGENERATION WITH TAU INCLUSIONS; FTLD WITH TAU INCLUSIONS; MULTIPLE SYSTEM TAUOPATHY WITH PRESENILE DEMENTIA; WILHELMSEN-LYNCH DISEASE; Frontotemporal lobe dementia (FLDEM). Identifiers: Orphanet 282, MedGen C0338451, MONDO:0017276, OMIM 600274, HP:0002145.
Pick disease. Also called: LOBAR ATROPHY OF BRAIN; PICK DISEASE OF BRAIN; DEMENTIA WITH LOBAR ATROPHY AND NEURONAL CYTOPLASMIC INCLUSIONS; Pick's disease; Pick Disease of the Brain. Identifiers: Orphanet 282, MedGen C0236642, MONDO:0008243, OMIM 172700.
Alzheimer disease 3 (AD3). Also called: ALZHEIMER DISEASE, FAMILIAL, 3. Identifiers: Orphanet 1020, MedGen C1843013, MONDO:0011913, OMIM 607822.
Dilated cardiomyopathy 1U. Identifiers: Orphanet 154, MedGen C3160720, MONDO:0013371, OMIM 613694.

Submissions (6):

Labcorp Genetics (formerly Invitae), Labcorp
Classification: Pathogenic for Alzheimer disease 3; Pick disease; Acne inversa, familial, 3; Frontotemporal dementia. Last evaluated: 2024-11-12. Review status: criteria provided, single submitter. Criteria: Invitae Variant Classification Sherloc (09022015). Collection method: clinical testing. Allele origin: germline.
Comment: This sequence change replaces alanine, which is neutral and non-polar, with proline, which is neutral and non-polar, at codon 426 of the PSEN1 protein (p.Ala426Pro). This variant is not present in population databases (gnomAD no frequency). This missense change has been observed in individuals with early-onset Alzheimer disease (PMID: 9521423; internal data). It has also been observed to segregate with disease in related individuals. ClinVar contains an entry for this variant (Variation ID: 18136). Invitae Evidence Modeling of protein sequence and biophysical properties (such as structural, functional, and spatial information, amino acid conservation, physicochemical variation, residue mobility, and thermodynamic stability) indicates that this missense variant is expected to disrupt PSEN1 protein function with a positive predictive value of 95%. For these reasons, this variant has been classified as Pathogenic.

Athena Diagnostics
Classification: Likely pathogenic. Last evaluated: 2024-08-23. Review status: criteria provided, single submitter. Criteria: Athena Diagnostics Criteria. Collection method: clinical testing. Allele origin: unknown.
Comment: This variant has not been reported in large, multi-ethnic general populations. This variant has been identified in at least one individual with Alzheimer disease. Assessment of experimental evidence suggests this variant results in abnormal protein function. (DOI: 10.1101/2023.07.04.547688, PMID: 20634584, 24698269)

GeneDx
Classification: Likely pathogenic. Last evaluated: 2023-12-27. Review status: criteria provided, single submitter. Criteria: GeneDx Variant Classification Process June 2021. Collection method: clinical testing. Allele origin: germline.
Comment: Previously reported in individuals with Alzheimer disease (AD); but it is unknown whether these individuals were screened for variants in other genes associated with AD (PMID: 9521423, 26826204); Published functional studies demonstrate that the variant impairs PSEN1 function (PMID: 20634584, 24698269); Not observed at significant frequency in large population cohorts (gnomAD); In silico analysis supports that this missense variant has a deleterious effect on protein structure/function; This variant is associated with the following publications: (PMID: 23990795, 18797263, 19478666, 26756738, 24729694, 36075457, 34918018, 21084313, 27930341, 24698269, 25217249, 30045758, 26826204, 21663966, 37646002, 17553989, 9521423, 20634584)

Fulgent Genetics
Classification: Likely pathogenic for Pick disease; Frontotemporal dementia; Alzheimer disease 3; Dilated cardiomyopathy 1U; Acne inversa, familial, 3. Last evaluated: 2021-12-16. Review status: criteria provided, single submitter. Criteria: ACMG Guidelines, 2015. Collection method: clinical testing. Allele origin: unknown.

OMIM
Classification: Pathogenic for ALZHEIMER DISEASE, FAMILIAL, 3. Last evaluated: 1998-01-01. Review status: no assertion criteria provided. Collection method: literature only. Allele origin: germline. Not counted in ClinVar's aggregate classification.

VIB  Department of Molecular Genetics, University of Antwerp
No classification provided. Review status: no classification provided. Collection method: not provided. Allele origin: unknown. Not counted in ClinVar's aggregate classification.

Literature cited by the submitters: PubMed 9521423 (cited by 3 submitters); PubMed 23990795 (cited by Athena Diagnostics); PubMed 20634584 (cited by Athena Diagnostics); PubMed 17553989 (cited by Athena Diagnostics); PubMed 24698269 (cited by Athena Diagnostics); PubMed 26826204 (cited by Athena Diagnostics); PubMed 26756738 (cited by Athena Diagnostics); PubMed 38574388 (cited by Athena Diagnostics); PubMed 38683602 (cited by Athena Diagnostics); PubMed 37614242 (cited by Athena Diagnostics); PubMed 27930341 (cited by Athena Diagnostics); PubMed 30045758 (cited by Athena Diagnostics); PubMed 34918018 (cited by Athena Diagnostics).